The following is an entry in ClinVar:

NM_002800.5(PSMB9):c.260+177T>C

Gene: PSMB9 (proteasome 20S subunit beta 9; plus strand). Cytogenetic location: 6p21.32.
Variant type: single nucleotide variant.
Coding change: c.260+177T>C on transcript NM_002800.5 (MANE Select); 177 bases into the intron after coding-DNA position 260, T replaced by C.
Molecular consequence: intron variant.
Genome position (GRCh38, 1-based): chr6:32,857,571, T>C. VCF-style: chr6-32857571-T-C. GRCh37 (hg19) VCF-style: chr6-32825348-T-C.
Identifiers: ClinVar variation 2637877 (VCV002637877.2), dbSNP rs2071477, ClinGen allele CA12266703.

ClinVar aggregate classification (germline): Benign (1 of 4 stars; one submission).

gnomAD v4.1: 297,210 of 716,578 alleles (41%); highest among the groups gnomAD compares: Middle Eastern, 51%; 62,727 homozygotes.

Submission:

Unidad de Genómica Garrahan, Hospital de Pediatría Garrahan
Classification: Benign. Last evaluated: 2023-11-14. Review status: criteria provided, single submitter. Criteria: ACMG Guidelines, 2015. Collection method: clinical testing. Allele origin: germline. Affected: no. Observed: 50 variant alleles.
Comment: This variant is classified as Benign based on local population frequency. This variant was detected in 52% of patients studied by a panel of primary immunodeficiencies. Number of patients: 50. Only high quality variants are reported.